The following is an entry in ClinVar:

ClinVar aggregate classification (germline): Pathogenic (1 of 4 stars; one submission).

Conditions:
Duchenne muscular dystrophy (DMD). Also called: MUSCULAR DYSTROPHY, PSEUDOHYPERTROPHIC PROGRESSIVE, DUCHENNE TYPE; Duchenne Muscular Dystrophy (DMD). Identifiers: Orphanet 98896, MedGen C0013264, MONDO:0010679, OMIM 310200.

Submission:

Labcorp Genetics (formerly Invitae), Labcorp
Classification: Pathogenic for Duchenne muscular dystrophy. Last evaluated: 2022-12-01. Review status: criteria provided, single submitter. Criteria: Invitae Variant Classification Sherloc (09022015). Collection method: clinical testing. Allele origin: germline.
Comment: For these reasons, this variant has been classified as Pathogenic. This premature translational stop signal has been observed in individual(s) with DMD-related conditions (PMID: 26911353). This variant is not present in population databases (gnomAD no frequency). This sequence change creates a premature translational stop signal (p.Gln1087Alafs*11) in the DMD gene. It is expected to result in an absent or disrupted protein product. Loss-of-function variants in DMD are known to be pathogenic (PMID: 16770791, 25007885).

Literature cited by the submitters: PubMed 26911353; PubMed 16770791; PubMed 25007885.

NM_004006.3(DMD):c.3251dup (p.Gln1087fs)

Gene: DMD (dystrophin; minus strand). Cytogenetic location: Xp21.1.
Variant type: Duplication.
Coding change: c.3251dup on transcript NM_004006.3 (MANE Select); coding-DNA position 3251, one base duplicated (T; older notation c.3251dupT).
Protein change: p.Gln1087fs; shifts the reading frame from glutamine 1087.
Molecular consequence: frameshift variant.
Genome position (GRCh38, 1-based): chrX:32,464,611, A duplicated on the plus strand (T on the coding strand, the reverse complement: DMD is on the minus strand). VCF-style (leftmost placement, unchanged base first): chrX-32464610-T-TA. GRCh37 (hg19) VCF-style: chrX-32482727-T-TA.
Other names: c.3227dup, p.Gln1079fs (NM_000109.4); c.3239dup, p.Gln1083fs (NM_004009.3); c.2882dup, p.Gln964fs (NM_004010.3); short protein forms Q1079fs, Q1087fs, Q964fs, Q1083fs.
Identifiers: ClinVar variation 2030574 (VCV002030574.4), dbSNP rs2524536489, ClinGen allele CA2580100715.